The following is an entry in ClinVar:

NM_000059.4(BRCA2):c.6151_6152del (p.Asn2051fs)

Gene: BRCA2 (BRCA2 DNA repair associated; plus strand). Cytogenetic location: 13q13.1.
Variant type: Deletion.
Coding change: c.6151_6152del on transcript NM_000059.4 (MANE Select); coding-DNA positions 6151 to 6152, 2 bases deleted (AA; older notation c.6151_6152delAA).
Protein change: p.Asn2051fs; shifts the reading frame from asparagine 2051.
Molecular consequence: frameshift variant.
Genome position (GRCh38, 1-based): chr13:32,340,506-32,340,507, AA deleted; deleting any 2 consecutive bases within chr13:32,340,505-32,340,507 gives the same sequence; the c. name uses the placement nearest the transcript's 3' end. VCF-style (leftmost placement, unchanged base first): chr13-32340504-TAA-T. GRCh37 (hg19) VCF-style: chr13-32914641-TAA-T.
Other names: short protein forms N2051fs.
Identifiers: ClinVar variation 826210 (VCV000826210.4), dbSNP rs886038141, ClinGen allele CA915948505.

ClinVar aggregate classification (germline): Pathogenic (1 of 4 stars; one submission).

Conditions:
Hereditary cancer-predisposing syndrome. Also called: Neoplastic Syndromes, Hereditary; Tumor predisposition; Hereditary neoplastic syndrome; Hereditary Cancer Syndrome. Identifiers: Orphanet 140162, MedGen C0027672, MeSH D009386, MONDO:0015356.

Submission:

Ambry Genetics
Classification: Pathogenic for Hereditary cancer-predisposing syndrome. Last evaluated: 2019-05-10. Review status: criteria provided, single submitter. Criteria: Ambry Variant Classification Scheme 2023. Collection method: clinical testing. Allele origin: germline.
Comment: The c.6151_6152delAA pathogenic mutation, located in coding exon 10 of the BRCA2 gene, results from a deletion of two nucleotides at nucleotide positions 6151 to 6152, causing a translational frameshift with a predicted alternate stop codon (p.N2051Ffs*8). This alteration is expected to result in loss of function by premature protein truncation or nonsense-mediated mRNA decay. As such, this alteration is interpreted as a disease-causing mutation.